The following is an entry in ClinVar:

ClinVar aggregate classification (germline): Likely benign. Review status: criteria provided, multiple submitters, no conflicts (2 of 4 stars). 5 submissions from 5 submitters: Likely benign (4). 1 of the submissions does not count toward it. Last evaluated 2026-01-26.

Conditions:
Retinal dystrophy. Also called: Inherited retinal dystrophy. Identifiers: Orphanet 71862, MedGen C0854723, MeSH D058499, MONDO:0019118, HP:0000556.
DYNC2I2-related disorder. Also called: DYNC2I2-related condition.
Short-rib thoracic dysplasia 11 with or without polydactyly (SRTD11). Also called: SHORT-RIB THORACIC DYSPLASIA 11 WITHOUT POLYDACTYLY. Identifiers: Orphanet 474, Orphanet 93271, MedGen C3810200, MONDO:0014287, OMIM 615633.

Allele frequency attached by ClinVar (database versions not stated): TOPMed 0.00025; gnomAD 0.00049 and 0.00051; gnomAD exomes 0.00054 and 0.00062; ExAC 0.00151.

Submissions (5):

Labcorp Genetics (formerly Invitae), Labcorp
Classification: Likely benign for Short-rib thoracic dysplasia 11 with or without polydactyly. Last evaluated: 2026-01-26. Review status: criteria provided, single submitter. Criteria: Invitae Variant Classification Sherloc (09022015). Collection method: clinical testing. Allele origin: germline.

PreventionGenetics, part of Exact Sciences
Classification: Likely benign for DYNC2I2-related condition. Last evaluated: 2025-12-29. Review status: criteria provided, single submitter. Criteria: ACMG Guidelines, 2015. Collection method: clinical testing. Allele origin: germline.
Comment: This variant is classified as likely benign based on ACMG/AMP sequence variant interpretation guidelines (Richards et al. 2015 PMID: 25741868, with internal and published modifications).

Blueprint Genetics
Classification: Likely benign. Last evaluated: 2024-11-21. Review status: criteria provided, single submitter. Criteria: ACMG Guidelines, 2015. Collection method: clinical testing. Allele origin: germline.

Breakthrough Genomics
Classification: Likely benign. Review status: criteria provided, single submitter. Criteria: ACMG Guidelines, 2015. Collection method: not provided. Allele origin: germline. Inheritance: Autosomal recessive inheritance. Affected: yes.

Institute of Human Genetics, Univ. Regensburg, Univ. Regensburg
Classification: Uncertain significance for Retinal dystrophy. Last evaluated: 2022-01-01. Review status: no assertion criteria provided. Criteria: ACMG Guidelines, 2015. Collection method: clinical testing. Allele origin: germline. Affected: yes. Not counted in ClinVar's aggregate classification.

NM_052844.4(DYNC2I2):c.19C>T (p.Pro7Ser)

Gene: DYNC2I2 (dynein 2 intermediate chain 2; minus strand). Cytogenetic location: 9q34.11.
Variant type: single nucleotide variant.
Coding change: c.19C>T on transcript NM_052844.4 (MANE Select); coding-DNA position 19, C replaced by T.
Protein change: p.Pro7Ser; replaces proline 7 with serine.
Molecular consequence: missense variant.
Genome position (GRCh38, 1-based): chr9:128,656,708, G>A on the plus strand (C>T on the coding strand, the complement: DYNC2I2 is on the minus strand). VCF-style: chr9-128656708-G-A. GRCh37 (hg19) VCF-style: chr9-131418987-G-A.
Other names: c.19C>T (NM_052844.3); short protein forms P7S.
Identifiers: ClinVar variation 1681273 (VCV001681273.12), dbSNP rs762357801, ClinGen allele CA5266773.